The following is an entry in ClinVar:

NM_030665.4(RAI1):c.223G>A (p.Ala75Thr)

Gene: RAI1 (retinoic acid induced 1; plus strand). Cytogenetic location: 17p11.2.
Variant type: single nucleotide variant.
Coding change: c.223G>A on transcript NM_030665.4 (MANE Select); coding-DNA position 223, G replaced by A.
Protein change: p.Ala75Thr; replaces alanine 75 with threonine.
Molecular consequence: missense variant.
Genome position (GRCh38, 1-based): chr17:17,793,171, G>A. VCF-style: chr17-17793171-G-A. GRCh37 (hg19) VCF-style: chr17-17696485-G-A.
Other names: c.223G>A (NM_030665.3); short protein forms A75T.
Identifiers: ClinVar variation 1348232 (VCV001348232.8), dbSNP rs566875015, ClinGen allele CA288366892.
Genomic context (GRCh38, chr17:17,793,171, plus strand): 5'-CCTTACCCGAGCTATGAGGGTGGCGCTGGCACGCCCTCTGGCACTGCAGCCGCGGTGGCC[G>A]CCGACAAGTACCACCGAGGCAGCAAGGCCCTGCCCACACAGCAAGGCCTGCAGGGGAGGC-3'
Protein context (NP_109590.3, residues 65-85): TPSGTAAAVA[Ala75Thr]DKYHRGSKAL

ClinVar aggregate classification (germline): Conflicting classifications of pathogenicity. Review status: criteria provided, conflicting classifications (1 of 4 stars). 3 submissions from 3 submitters: Uncertain significance (1); Benign (1); Likely benign (1). Last evaluated 2025-09-24.

Conditions:
RAI1-related disorder. Also called: RAI1-related condition.

gnomAD v4.1: 13 of 1,613,074 alleles (0.00081%); highest among the groups gnomAD compares: Admixed American, 0.0017%; no homozygotes.

Submissions (3):

PreventionGenetics, part of Exact Sciences
Classification: Uncertain significance for RAI1-related condition. Last evaluated: 2025-09-24. Review status: criteria provided, single submitter. Criteria: ACMG Guidelines, 2015. Collection method: clinical testing. Allele origin: germline.
Comment: The RAI1 c.223G>A variant is predicted to result in the amino acid substitution p.Ala75Thr. To our knowledge, this variant has not been reported in the literature. This variant is reported in 0.00080% of alleles in individuals of European (Non-Finnish) descent in gnomAD. At this time, the clinical significance of this variant is uncertain due to the absence of conclusive functional and genetic evidence.

Laboratory of Genetics, Children's Clinical University Hospital Latvia
Classification: Likely benign. Last evaluated: 2025-02-16. Review status: criteria provided, single submitter. Criteria: ACMG Guidelines, 2015. Collection method: clinical testing. Allele origin: germline. Affected: yes.

Labcorp Genetics (formerly Invitae), Labcorp
Classification: Benign. Last evaluated: 2024-01-06. Review status: criteria provided, single submitter. Criteria: Invitae Variant Classification Sherloc (09022015). Collection method: clinical testing. Allele origin: germline.